The following is an entry in ClinVar:

NM_001003787.4(STRADA):c.158_160del (p.Phe53del)

Gene: STRADA (STE20 related adaptor alpha; minus strand). Cytogenetic location: 17q23.3.
Variant type: Deletion.
Coding change: c.158_160del on transcript NM_001003787.4 (MANE Select); coding-DNA positions 158 to 160, 3 bases deleted (TCT; older notation c.158_160delTCT).
Protein change: p.Phe53del; deletes phenylalanine 53.
Molecular consequence: inframe deletion. On other transcripts: 5 prime UTR variant (3), non-coding transcript variant (1), intron variant (1).
Genome position (GRCh38, 1-based): chr17:63,714,072-63,714,074, AGA deleted on the plus strand (TCT on the coding strand, the reverse complement: STRADA is on the minus strand); deleting any 3 consecutive bases within chr17:63,714,072-63,714,076 gives the same sequence; the c. name uses the placement nearest the transcript's 3' end. VCF-style (leftmost placement, unchanged base first): chr17-63714071-GAGA-G. GRCh37 (hg19) VCF-style: chr17-61791431-GAGA-G.
Other names: c.-17_-15del (NM_001003788.3, NM_001363790.1, NM_001363791.1); c.71_73del, p.Phe24del (NM_001165969.2, NM_001363787.1); c.134_136del, p.Phe45del (NM_001363786.1); c.158_160del, p.Phe53del (NM_001363788.1); c.47_49del, p.Phe16del (NM_001363789.1, NM_153335.6, NM_001003786.3); c.95-547_95-545del (NM_001165970.2); short protein forms F16del, F53del, F45del, F24del.
Identifiers: ClinVar variation 1474678 (VCV001474678.8), dbSNP rs2143920802, ClinGen allele CA2573154461.

ClinVar aggregate classification (germline): Uncertain significance (1 of 4 stars; one submission).

Conditions:
Polyhydramnios, megalencephaly, and symptomatic epilepsy (PMSE). Also called: PMSE SYNDROME. Identifiers: Orphanet 500533, MedGen C1970203, MONDO:0012611, OMIM 611087.

Submission:

Labcorp Genetics (formerly Invitae), Labcorp
Classification: Uncertain significance for Polyhydramnios, megalencephaly, and symptomatic epilepsy. Last evaluated: 2024-08-02. Review status: criteria provided, single submitter. Criteria: Invitae Variant Classification Sherloc (09022015). Collection method: clinical testing. Allele origin: germline.
Comment: This variant, c.158_160del, results in the deletion of 1 amino acid(s) of the STRADA protein (p.Phe53del), but otherwise preserves the integrity of the reading frame. This variant is not present in population databases (gnomAD no frequency). This variant has not been reported in the literature in individuals affected with STRADA-related conditions. ClinVar contains an entry for this variant (Variation ID: 1474678). Experimental studies and prediction algorithms are not available or were not evaluated, and the functional significance of this variant is currently unknown. In summary, the available evidence is currently insufficient to determine the role of this variant in disease. Therefore, it has been classified as a Variant of Uncertain Significance.